The following is an entry in ClinVar:

NM_000051.4(ATM):c.7857T>A (p.Ser2619Arg)

Genes: ATM (ATM serine/threonine kinase; plus strand), C11orf65 (chromosome 11 open reading frame 65; minus strand). Cytogenetic location: 11q22.3.
Variant type: single nucleotide variant.
Coding change: c.7857T>A on transcript NM_000051.4 (MANE Select); coding-DNA position 7857, T replaced by A.
Protein change: p.Ser2619Arg; replaces serine 2619 with arginine.
Molecular consequence: missense variant. On other transcripts: intron variant (2).
Genome position (GRCh38, 1-based): chr11:108,332,830, T>A. VCF-style: chr11-108332830-T-A. GRCh37 (hg19) VCF-style: chr11-108203557-T-A.
Other names: c.7857T>A, p.Ser2619Arg (NM_001351834.2); c.641-23759A>T (NM_001330368.2); c.*38+2390A>T (NM_001351110.2); short protein forms S2619R.
Identifiers: ClinVar variation 3720479 (VCV003720479.2).

ClinVar aggregate classification (germline): Uncertain significance (1 of 4 stars; one submission).

Conditions:
Ataxia-telangiectasia syndrome (AT). Also called: Ataxia-telangiectasia, complementation group D; AT, COMPLEMENTATION GROUP C; ATAXIA-TELANGIECTASIA, COMPLEMENTATION GROUP A; ATAXIA-TELANGIECTASIA, FRESNO VARIANT; Ataxia-telangiectasia; Ataxia-telangiectasia, complementation group E. Identifiers: Orphanet 100, MedGen C0004135, MONDO:0008840, OMIM 208900.

Submission:

Labcorp Genetics (formerly Invitae), Labcorp
Classification: Uncertain significance for Ataxia-telangiectasia syndrome. Last evaluated: 2024-12-11. Review status: criteria provided, single submitter. Criteria: Invitae Variant Classification Sherloc (09022015). Collection method: clinical testing. Allele origin: germline.
Comment: This sequence change replaces serine, which is neutral and polar, with arginine, which is basic and polar, at codon 2619 of the ATM protein (p.Ser2619Arg). This variant is not present in population databases (gnomAD no frequency). This variant has not been reported in the literature in individuals affected with ATM-related conditions. Invitae Evidence Modeling of protein sequence and biophysical properties (such as structural, functional, and spatial information, amino acid conservation, physicochemical variation, residue mobility, and thermodynamic stability) indicates that this missense variant is not expected to disrupt ATM protein function with a negative predictive value of 95%. In summary, the available evidence is currently insufficient to determine the role of this variant in disease. Therefore, it has been classified as a Variant of Uncertain Significance.